The following is an entry in ClinVar:

NM_001267550.2(TTN):c.27711C>T (p.Ser9237=)

Gene: TTN (titin; minus strand). Cytogenetic location: 2q31.2.
Variant type: single nucleotide variant.
Coding change: c.27711C>T on transcript NM_001267550.2 (MANE Select); coding-DNA position 27711, C replaced by T.
Protein change: p.Ser9237=; no amino-acid change (serine 9237 retained).
Molecular consequence: synonymous variant. On other transcripts: intron variant (3).
Genome position (GRCh38, 1-based): chr2:178,712,119, G>A on the plus strand (C>T on the coding strand, the complement: TTN is on the minus strand). VCF-style: chr2-178712119-G-A. GRCh37 (hg19) VCF-style: chr2-179576846-G-A.
Other names: c.23979C>T, p.Ser7993= (NM_133378.4); c.26760C>T, p.Ser8920= (NM_001256850.1); c.13282+25963C>T (NM_003319.4); c.13858+25963C>T (NM_133437.4); c.13657+25963C>T (NM_133432.3).
Identifiers: ClinVar variation 179262 (VCV000179262.17), dbSNP rs727504749, ClinGen allele CA184069.

ClinVar aggregate classification (germline): Likely benign. Review status: criteria provided, multiple submitters, no conflicts (2 of 4 stars). 3 submissions from 3 submitters: Likely benign (3). Last evaluated 2026-01-20.

Conditions:
Autosomal recessive limb-girdle muscular dystrophy type 2J (LGMDR10). Also called: Limb-girdle muscular dystrophy, type 2J; MUSCULAR DYSTROPHY, LIMB-GIRDLE, AUTOSOMAL RECESSIVE 10. Identifiers: Orphanet 140922, MedGen C1837342, MONDO:0012127, OMIM 608807.
Dilated cardiomyopathy 1G (CMD1G). Identifiers: Orphanet 154, MedGen C1858763, MONDO:0011400, OMIM 604145.

Allele frequency attached by ClinVar (database versions not stated): gnomAD 0.00001; TOPMed 0.00001.
gnomAD v4.1: 36 of 1,613,578 alleles (0.0022%); highest among the groups gnomAD compares: Non-Finnish European, 0.003%; no homozygotes.

Submissions (3):

Labcorp Genetics (formerly Invitae), Labcorp
Classification: Likely benign for Dilated cardiomyopathy 1G; Autosomal recessive limb-girdle muscular dystrophy type 2J. Last evaluated: 2026-01-20. Review status: criteria provided, single submitter. Criteria: Invitae Variant Classification Sherloc (09022015). Collection method: clinical testing. Allele origin: germline.

Blueprint Genetics
Classification: Likely benign. Last evaluated: 2020-12-18. Review status: criteria provided, single submitter. Criteria: ACMG Guidelines, 2015. Collection method: clinical testing. Allele origin: germline.

Laboratory for Molecular Medicine, Mass General Brigham Personalized Medicine
Classification: Likely benign. Last evaluated: 2013-09-27. Review status: criteria provided, single submitter. Criteria: LMM Criteria. Collection method: clinical testing. Allele origin: germline. Observed: 1 variant allele.
Comment: Ser7993Ser in exon 93 of TTN: This variant is not expected to have clinical sign ificance because it does not alter an amino acid residue and is not located with in the splice consensus sequence. Ser7993Ser in exon 93 of TTN (allele frequenc y = n/a)